The following is an entry in ClinVar:

NM_138420.4(AHNAK2):c.442G>A (p.Ala148Thr)

Gene: AHNAK2 (AHNAK nucleoprotein 2; minus strand). Cytogenetic location: 14q32.33.
Variant type: single nucleotide variant.
Coding change: c.442G>A on transcript NM_138420.4 (MANE Select); coding-DNA position 442, G replaced by A.
Protein change: p.Ala148Thr; replaces alanine 148 with threonine.
Molecular consequence: missense variant.
Genome position (GRCh38, 1-based): chr14:104,955,507, C>T on the plus strand (G>A on the coding strand, the complement: AHNAK2 is on the minus strand). VCF-style: chr14-104955507-C-T. GRCh37 (hg19) VCF-style: chr14-105421844-C-T.
Other names: c.142G>A, p.Ala48Thr (NM_001350929.2); c.442G>A (NM_138420.2); short protein forms A148T, A48T.
Identifiers: ClinVar variation 2644896 (VCV002644896.25), dbSNP rs200786364, ClinGen allele CA7384048.

ClinVar aggregate classification (germline): Conflicting classifications of pathogenicity. Review status: criteria provided, conflicting classifications (1 of 4 stars). 2 submissions from 2 submitters: Uncertain significance (1); Benign (1). Last evaluated 2026-01-01.

Allele frequency attached by ClinVar (database versions not stated): gnomAD exomes 0.00028; TOPMed 0.00029; gnomAD 0.00031; ESP Exome Variant Server 0.00032; ExAC 0.00053; 1000 Genomes Project 30x 0.00094; 1000 Genomes Project 0.00120.
gnomAD v4.1: 468 of 1,613,222 alleles (0.029%); highest among the groups gnomAD compares: South Asian, 0.16%; 2 homozygotes.

Submissions (2):

CeGaT Center for Human Genetics Tuebingen
Classification: Benign. Last evaluated: 2026-01-01. Review status: criteria provided, single submitter. Criteria: CeGaT Center For Human Genetics Tuebingen Variant Classification Criteria Version 2. Collection method: clinical testing. Allele origin: germline. Affected: yes. Observed: 2 variant alleles.
Comment: AHNAK2: BP4, BS1, BS2

Ambry Genetics
Classification: Uncertain significance. Last evaluated: 2025-08-26. Review status: criteria provided, single submitter. Criteria: Ambry Variant Classification Scheme 2023. Collection method: clinical testing. Allele origin: germline.